The following is an entry in ClinVar:

NM_198578.4(LRRK2):c.2860T>C (p.Ser954Pro)

Gene: LRRK2 (leucine rich repeat kinase 2; plus strand). Cytogenetic location: 12q12.
Variant type: single nucleotide variant.
Coding change: c.2860T>C on transcript NM_198578.4 (MANE Select); coding-DNA position 2860, T replaced by C.
Protein change: p.Ser954Pro; replaces serine 954 with proline.
Molecular consequence: missense variant.
Genome position (GRCh38, 1-based): chr12:40,294,896, T>C. VCF-style: chr12-40294896-T-C. GRCh37 (hg19) VCF-style: chr12-40688698-T-C.
Other names: short protein forms S954P.
Identifiers: ClinVar variation 3291853 (VCV003291853.1).

ClinVar aggregate classification (germline): Uncertain significance (1 of 4 stars; one submission).

Conditions:
Inborn genetic diseases. Identifiers: MedGen C0950123, MeSH D030342.

gnomAD v4.1: 4 of 1,545,276 alleles (0.00026%); highest among the groups gnomAD compares: South Asian, 0.0023%; no homozygotes.

Submission:

Ambry Genetics
Classification: Uncertain significance for Inborn genetic diseases. Last evaluated: 2024-04-20. Review status: criteria provided, single submitter. Criteria: Ambry Variant Classification Scheme 2023. Collection method: clinical testing. Allele origin: germline.
Comment: The p.S954P variant (also known as c.2860T>C), located in coding exon 22 of the LRRK2 gene, results from a T to C substitution at nucleotide position 2860. The serine at codon 954 is replaced by proline, an amino acid with similar properties. This amino acid position is conserved. In addition, this alteration is predicted to be tolerated by in silico analysis. Based on the available evidence, the clinical significance of this variant remains unclear.